The following is an entry in ClinVar:

ClinVar aggregate classification (germline): Uncertain significance. Review status: criteria provided, multiple submitters, no conflicts (2 of 4 stars). 3 submissions from 3 submitters: Uncertain significance (3). Last evaluated 2022-09-01.

Conditions:
Congenital myasthenic syndrome 9. Also called: Myasthenic syndrome, congenital, 9, associated with acetylcholine receptor deficiency. Identifiers: Orphanet 590, MedGen C4225368, MONDO:0014587, OMIM 616325.
Fetal akinesia deformation sequence 1 (FADS1). Also called: Pena-Shokeir syndrome type I; Fetal akinesia sequence. Identifiers: Orphanet 994, MedGen C1276035, MONDO:0100101, OMIM 208150, HP:0001989.

Allele frequency attached by ClinVar (database versions not stated): gnomAD exomes 0.00006 and 0.00007; TOPMed 0.00006; ExAC 0.00007; ESP Exome Variant Server 0.00008; gnomAD 0.00011.
gnomAD v4.1: 118 of 1,613,878 alleles (0.0073%); highest among the groups gnomAD compares: Middle Eastern, 0.033%; no homozygotes.

Submissions (3):

Labcorp Genetics (formerly Invitae), Labcorp
Classification: Uncertain significance for Congenital myasthenic syndrome 9; Fetal akinesia deformation sequence 1. Last evaluated: 2022-09-01. Review status: criteria provided, single submitter. Criteria: Invitae Variant Classification Sherloc (09022015). Collection method: clinical testing. Allele origin: germline.
Comment: This sequence change replaces isoleucine, which is neutral and non-polar, with valine, which is neutral and non-polar, at codon 506 of the MUSK protein (p.Ile506Val). This variant is present in population databases (rs191581729, gnomAD 0.02%). This variant has not been reported in the literature in individuals affected with MUSK-related conditions. ClinVar contains an entry for this variant (Variation ID: 364609). Advanced modeling of protein sequence and biophysical properties (such as structural, functional, and spatial information, amino acid conservation, physicochemical variation, residue mobility, and thermodynamic stability) performed at Invitae indicates that this missense variant is not expected to disrupt MUSK protein function. Algorithms developed to predict the effect of sequence changes on RNA splicing suggest that this variant may create or strengthen a splice site. In summary, the available evidence is currently insufficient to determine the role of this variant in disease. Therefore, it has been classified as a Variant of Uncertain Significance.

Revvity Omics, Revvity
Classification: Uncertain significance. Last evaluated: 2021-10-05. Review status: criteria provided, single submitter. Criteria: ACMG Guidelines, 2015. Collection method: clinical testing. Allele origin: germline.

Illumina Laboratory Services, Illumina
Classification: Uncertain significance for Congenital myasthenic syndrome 9. Last evaluated: 2018-01-13. Review status: criteria provided, single submitter. Criteria: ICSL Variant Classification Criteria 13 December 2019. Collection method: clinical testing. Allele origin: germline.

NM_005592.4(MUSK):c.1516A>G (p.Ile506Val)

Gene: MUSK (muscle associated receptor tyrosine kinase; plus strand). Cytogenetic location: 9q31.3.
Variant type: single nucleotide variant.
Coding change: c.1516A>G on transcript NM_005592.4 (MANE Select); coding-DNA position 1516, A replaced by G.
Protein change: p.Ile506Val; replaces isoleucine 506 with valine.
Molecular consequence: missense variant.
Genome position (GRCh38, 1-based): chr9:110,784,946, A>G. VCF-style: chr9-110784946-A-G. GRCh37 (hg19) VCF-style: chr9-113547226-A-G.
Other names: c.1258A>G, p.Ile420Val (NM_001166280.2); c.1228A>G, p.Ile410Val (NM_001166281.2); c.256A>G, p.Ile86Val (NM_001369398.1); short protein forms I506V, I420V, I410V, I86V.
Identifiers: ClinVar variation 364609 (VCV000364609.12), dbSNP rs191581729, ClinGen allele CA5184381.